The following is an entry in ClinVar:

ClinVar aggregate classification (germline): Uncertain significance. Review status: criteria provided, multiple submitters, no conflicts (2 of 4 stars). 2 submissions from 2 submitters: Uncertain significance (2). Last evaluated 2026-05-26.

Conditions:
Hereditary cancer-predisposing syndrome. Also called: Hereditary neoplastic syndrome; Neoplastic Syndromes, Hereditary; Tumor predisposition; Hereditary Cancer Syndrome. Identifiers: Orphanet 140162, MedGen C0027672, MeSH D009386, MONDO:0015356.
Hereditary nonpolyposis colorectal neoplasms. Identifiers: MedGen C0009405, MeSH D003123.

Submissions (2):

Ambry Genetics
Classification: Uncertain significance for Hereditary cancer-predisposing syndrome. Last evaluated: 2026-05-26. Review status: criteria provided, single submitter. Criteria: Ambry Variant Classification Scheme 2023. Collection method: clinical testing. Allele origin: germline.
Comment: The p.W365R variant (also known as c.1093T>A), located in coding exon 4 of the MSH6 gene, results from a T to A substitution at nucleotide position 1093. The tryptophan at codon 365 is replaced by arginine, an amino acid with dissimilar properties. This amino acid position is highly conserved in available vertebrate species. In addition, this alteration is predicted to be deleterious by in silico analysis. Based on the available evidence, the clinical significance of this variant remains unclear.

Labcorp Genetics (formerly Invitae), Labcorp
Classification: Uncertain significance for Hereditary nonpolyposis colorectal neoplasms. Last evaluated: 2025-08-31. Review status: criteria provided, single submitter. Criteria: Invitae Variant Classification Sherloc (09022015). Collection method: clinical testing. Allele origin: germline.
Comment: This sequence change replaces tryptophan, which is neutral and slightly polar, with arginine, which is basic and polar, at codon 365 of the MSH6 protein (p.Trp365Arg). This variant is not present in population databases (gnomAD no frequency). This variant has not been reported in the literature in individuals affected with MSH6-related conditions. Invitae Evidence Modeling of protein sequence and biophysical properties (such as structural, functional, and spatial information, amino acid conservation, physicochemical variation, residue mobility, and thermodynamic stability) has been performed for this missense variant. However, the output from this modeling did not meet the statistical confidence thresholds required to predict the impact of this variant on MSH6 protein function. In summary, the available evidence is currently insufficient to determine the role of this variant in disease. Therefore, it has been classified as a Variant of Uncertain Significance.

NM_000179.3(MSH6):c.1093T>A (p.Trp365Arg)

Gene: MSH6 (mutS homolog 6; plus strand). Cytogenetic location: 2p16.3.
Variant type: single nucleotide variant.
Coding change: c.1093T>A on transcript NM_000179.3 (MANE Select); coding-DNA position 1093, T replaced by A.
Protein change: p.Trp365Arg; replaces tryptophan 365 with arginine.
Molecular consequence: missense variant. On other transcripts: non-coding transcript variant (4), intron variant (1).
Genome position (GRCh38, 1-based): chr2:47,799,076, T>A. VCF-style: chr2-47799076-T-A. GRCh37 (hg19) VCF-style: chr2-48026215-T-A.
Other names: c.703T>A, p.Trp235Arg (NM_001281492.2); c.187T>A, p.Trp63Arg (NM_001281493.2, NM_001281494.2, NM_001406811.1 and 6 more transcripts); c.1189T>A, p.Trp397Arg (NM_001406795.1, NM_001406802.1); c.1093T>A, p.Trp365Arg (NM_001406796.1, NM_001406798.1, NM_001406800.1 and 4 more transcripts); c.796T>A, p.Trp266Arg (NM_001406797.1, NM_001406801.1, NM_001406805.1 and 10 more transcripts); c.568T>A, p.Trp190Arg (NM_001406799.1, NM_001406806.1, NM_001406807.1); c.1015T>A, p.Trp339Arg (NM_001406804.1); c.925T>A, p.Trp309Arg (NM_001406826.1); and 2 more; short protein forms W190R, W235R, W266R, W309R, W339R, W365R, W367R, W397R.
Identifiers: ClinVar variation 4800195 (VCV004800195.2).